The following is an entry in ClinVar:

NM_002470.4(MYH3):c.1195G>C (p.Ala399Pro)

Gene: MYH3 (myosin heavy chain 3; minus strand). Cytogenetic location: 17p13.1.
Variant type: single nucleotide variant.
Coding change: c.1195G>C on transcript NM_002470.4 (MANE Select); coding-DNA position 1195, G replaced by C.
Protein change: p.Ala399Pro; replaces alanine 399 with proline.
Molecular consequence: missense variant.
Genome position (GRCh38, 1-based): chr17:10,644,649, C>G on the plus strand (G>C on the coding strand, the complement: MYH3 is on the minus strand). VCF-style: chr17-10644649-C-G. GRCh37 (hg19) VCF-style: chr17-10547966-C-G.
Other names: short protein forms A399P.
Identifiers: ClinVar variation 2115273 (VCV002115273.4), dbSNP rs2508621585, ClinGen allele CA398175646.

ClinVar aggregate classification (germline): Uncertain significance (1 of 4 stars; one submission).

Submission:

Labcorp Genetics (formerly Invitae), Labcorp
Classification: Uncertain significance. Last evaluated: 2023-08-04. Review status: criteria provided, single submitter. Criteria: Invitae Variant Classification Sherloc (09022015). Collection method: clinical testing. Allele origin: germline.
Comment: In summary, the available evidence is currently insufficient to determine the role of this variant in disease. Therefore, it has been classified as a Variant of Uncertain Significance. Advanced modeling of protein sequence and biophysical properties (such as structural, functional, and spatial information, amino acid conservation, physicochemical variation, residue mobility, and thermodynamic stability) has been performed at Invitae for this missense variant, however the output from this modeling did not meet the statistical confidence thresholds required to predict the impact of this variant on MYH3 protein function. ClinVar contains an entry for this variant (Variation ID: 2115273). This variant has not been reported in the literature in individuals affected with MYH3-related conditions. This variant is not present in population databases (gnomAD no frequency). This sequence change replaces alanine, which is neutral and non-polar, with proline, which is neutral and non-polar, at codon 399 of the MYH3 protein (p.Ala399Pro).